The following is an entry in ClinVar:

NM_003690.5(PRKRA):c.*3C>T

Genes: CHROMR (cholesterol induced regulator of metabolism RNA; plus strand), PRKRA (protein activator of interferon induced protein kinase EIF2AK2; minus strand). Cytogenetic location: 2q31.2.
Variant type: single nucleotide variant.
Coding change: c.*3C>T on transcript NM_003690.5 (MANE Select); 3 bases downstream of the stop codon, C replaced by T.
Molecular consequence: 3 prime UTR variant.
Genome position (GRCh38, 1-based): chr2:178,432,094, G>A on the plus strand (C>T on the coding strand, the complement: PRKRA is on the minus strand). VCF-style: chr2-178432094-G-A. GRCh37 (hg19) VCF-style: chr2-179296821-G-A.
Other names: c.*3C>T (NM_001139517.2, NM_001139518.2, NM_001316362.2).
Identifiers: ClinVar variation 332620 (VCV000332620.10), dbSNP rs3997876, ClinGen allele CA1983690.
Genomic context (GRCh38, chr2:178,432,094, plus strand): 5'-TGGGAAGGGGCCAGAGGGGAACTTTTTATGTGCTACTGAAAGATTTTTTAAGTTGCTCCA[G>A]ATTTACTTTCTTTCTGCTATTATCTTTAAATACTGCAAAGCATTGTGAGCTGCATCACTT-3'

ClinVar aggregate classification (germline): Benign/Likely benign. Review status: criteria provided, multiple submitters, no conflicts (2 of 4 stars). 5 submissions from 5 submitters: Benign (4); Likely benign (1). Last evaluated 2024-11-26.

Conditions:
Dystonia 16 (DYT16). Also called: DYT-PRKRA. Identifiers: Orphanet 210571, MedGen C2677567, MONDO:0012789, OMIM 612067.

Allele frequency attached by ClinVar (database versions not stated): ESP Exome Variant Server 0.20975; gnomAD 0.21371; 1000 Genomes Project 30x 0.23017; ExAC 0.24498.

Submissions (5):

Blueprint Genetics
Classification: Likely benign. Last evaluated: 2024-11-26. Review status: criteria provided, single submitter. Criteria: ACMG Guidelines, 2015. Collection method: clinical testing. Allele origin: germline.

Mayo Clinic Laboratories, Mayo Clinic
Classification: Benign. Last evaluated: 2023-01-06. Review status: criteria provided, single submitter. Criteria: ACMG Guidelines, 2015. Collection method: clinical testing. Allele origin: germline. Observed: 327 variant alleles.
Comment: BA1

GeneDx
Classification: Benign. Last evaluated: 2018-08-03. Review status: criteria provided, single submitter. Criteria: GeneDx Variant Classification Process June 2021. Collection method: clinical testing. Allele origin: germline. Affected: yes.

Illumina Laboratory Services, Illumina
Classification: Benign for Dystonia 16. Last evaluated: 2018-01-13. Review status: criteria provided, single submitter. Criteria: ICSL Variant Classification Criteria 13 December 2019. Collection method: clinical testing. Allele origin: germline.
Comment: This variant was observed in the ICSL laboratory as part of a predisposition screen in an ostensibly healthy population. It had not been previously curated by ICSL or reported in the Human Gene Mutation Database (HGMD: prior to June 1st, 2018), and was therefore a candidate for classification through an automated scoring system. Utilizing variant allele frequency, disease prevalence and penetrance estimates, and inheritance mode, an automated score was calculated to assess if this variant is too frequent to cause the disease. Based on the score and internal cut-off values, a variant classified as benign is not then subjected to further curation. The score for this variant resulted in a classification of benign for this disease.

Breakthrough Genomics
Classification: Benign. Review status: criteria provided, single submitter. Criteria: ACMG Guidelines, 2015. Collection method: not provided. Allele origin: germline. Inheritance: Autosomal recessive inheritance. Affected: yes.